The following is an entry in ClinVar:

ClinVar aggregate classification (germline): Uncertain significance (1 of 4 stars; one submission).

Submission:

GeneDx
Classification: Uncertain significance. Last evaluated: 2024-06-25. Review status: criteria provided, single submitter. Criteria: GeneDx Variant Classification Process June 2021. Collection method: clinical testing. Allele origin: germline. Affected: yes.
Comment: Not observed at significant frequency in large population cohorts (gnomAD); In silico analysis supports that this missense variant has a deleterious effect on protein structure/function; Has not been previously published as pathogenic or benign to our knowledge

NM_001366521.1(ATP2B1):c.2798T>C (p.Leu933Ser)

Gene: ATP2B1 (ATPase plasma membrane Ca2+ transporting 1; minus strand). Cytogenetic location: 12q21.33.
Variant type: single nucleotide variant.
Coding change: c.2798T>C on transcript NM_001366521.1 (MANE Select); coding-DNA position 2798, T replaced by C.
Protein change: p.Leu933Ser; replaces leucine 933 with serine.
Molecular consequence: missense variant.
Genome position (GRCh38, 1-based): chr12:89,603,762, A>G on the plus strand (T>C on the coding strand, the complement: ATP2B1 is on the minus strand). VCF-style: chr12-89603762-A-G. GRCh37 (hg19) VCF-style: chr12-89997539-A-G.
Other names: c.2798T>C, p.Leu933Ser (NM_001001323.2, NM_001366520.1, NM_001366522.1 and 12 more transcripts); c.2600T>C, p.Leu867Ser (NM_001366530.1, NM_001413053.1); c.2237T>C, p.Leu746Ser (NM_001366531.1, NM_001366532.1, NM_001413058.1 and 2 more transcripts); c.2759T>C, p.Leu920Ser (NM_001413048.1); c.2657T>C, p.Leu886Ser (NM_001413051.1, NM_001413052.1, NM_001413055.1); c.2555T>C, p.Leu852Ser (NM_001413054.1); c.2543T>C, p.Leu848Ser (NM_001413056.1); c.2345T>C, p.Leu782Ser (NM_001413057.1); short protein forms L746S, L782S, L848S, L852S, L867S, L886S, L920S, L933S.
Identifiers: ClinVar variation 3392847 (VCV003392847.1).